The following is an entry in ClinVar:

ClinVar aggregate classification (germline): Uncertain significance (0 of 4 stars; one submission).

Conditions:
JARID2-related disorder. Also called: JARID2-related condition.

Submission:

PreventionGenetics, part of Exact Sciences
Classification: Uncertain significance for JARID2-related condition. Last evaluated: 2024-06-15. Review status: no assertion criteria provided. Collection method: clinical testing. Allele origin: germline.
Comment: The JARID2 c.3266+2T>C variant is predicted to disrupt the GT donor site and interfere with normal splicing. To our knowledge, this variant has not been reported in the literature or in a large population database, indicating it is rare. Multiple predicted loss-of-function variants have been reported, associated with neurodevelopmental phenotypes, occurring up and downstream of this variant position but not in the affected exon (Verberne et al. 2021. PubMed ID: 33077894). In addition, this variant type is rare in the general population (gnomAD pLI=1). Although we suspect that this variant may be pathogenic, at this time, the clinical significance is uncertain due to the absence of conclusive functional and genetic evidence.

NM_004973.4(JARID2):c.3266+2T>C

Gene: JARID2 (jumonji and AT-rich interaction domain containing 2; plus strand). Cytogenetic location: 6p22.3.
Variant type: single nucleotide variant.
Coding change: c.3266+2T>C on transcript NM_004973.4 (MANE Select); the canonical splice donor site of the intron after coding-DNA position 3266, T replaced by C.
Molecular consequence: splice donor variant.
Genome position (GRCh38, 1-based): chr6:15,513,047, T>C. VCF-style: chr6-15513047-T-C. GRCh37 (hg19) VCF-style: chr6-15513278-T-C.
Other names: c.2750+2T>C (NM_001267040.1).
Identifiers: ClinVar variation 3353627 (VCV003353627.1).